The following is an entry in ClinVar:

ClinVar aggregate classification (germline): Likely benign (1 of 4 stars; one submission).

Submission:

CeGaT Center for Human Genetics Tuebingen
Classification: Likely benign. Last evaluated: 2022-11-01. Review status: criteria provided, single submitter. Criteria: CeGaT Center For Human Genetics Tuebingen Variant Classification Criteria Version 2. Collection method: clinical testing. Allele origin: germline. Affected: yes. Observed: 1 variant allele.
Comment: KISS1R: PM2:Supporting, BP4, BP7

NM_032551.5(KISS1R):c.1029C>T (p.Arg343=)

Gene: KISS1R (KISS1 receptor; plus strand). Cytogenetic location: 19p13.3.
Variant type: single nucleotide variant.
Coding change: c.1029C>T on transcript NM_032551.5 (MANE Select); coding-DNA position 1029, C replaced by T.
Protein change: p.Arg343=; no amino-acid change (arginine 343 retained).
Molecular consequence: synonymous variant.
Genome position (GRCh38, 1-based): chr19:920,580, C>T. VCF-style: chr19-920580-C-T. GRCh37 (hg19) VCF-style: chr19-920580-C-T.
Identifiers: ClinVar variation 2648882 (VCV002648882.24), dbSNP rs1006166812, ClinGen allele CA504883669.